The following is an entry in ClinVar:

NM_032108.4(SEMA6B):c.87G>A (p.Glu29=)

Gene: SEMA6B (semaphorin 6B; minus strand). Cytogenetic location: 19p13.3.
Variant type: single nucleotide variant.
Coding change: c.87G>A on transcript NM_032108.4 (MANE Select); coding-DNA position 87, G replaced by A.
Protein change: p.Glu29=; no amino-acid change (glutamic acid 29 retained).
Molecular consequence: synonymous variant.
Genome position (GRCh38, 1-based): chr19:4,558,371, C>T on the plus strand (G>A on the coding strand, the complement: SEMA6B is on the minus strand). VCF-style: chr19-4558371-C-T. GRCh37 (hg19) VCF-style: chr19-4558383-C-T.
Identifiers: ClinVar variation 3388888 (VCV003388888.14).

ClinVar aggregate classification (germline): Likely benign (1 of 4 stars; one submission).

gnomAD v4.1: 203 of 1,294,130 alleles (0.016%); highest among the groups gnomAD compares: Non-Finnish European, 0.02%; no homozygotes.

Submission:

CeGaT Center for Human Genetics Tuebingen
Classification: Likely benign. Last evaluated: 2024-10-01. Review status: criteria provided, single submitter. Criteria: CeGaT Center For Human Genetics Tuebingen Variant Classification Criteria Version 2. Collection method: clinical testing. Allele origin: germline. Affected: yes. Observed: 1 variant allele.
Comment: SEMA6B: BP4, BP7